The following is an entry in ClinVar:

ClinVar aggregate classification (germline): Uncertain significance (1 of 4 stars; one submission).

Allele frequency attached by ClinVar (database versions not stated): TOPMed below 0.00001; ExAC 0.00001; gnomAD 0.00001; gnomAD exomes 0.00001.
gnomAD v4.1: 21 of 1,602,024 alleles (0.0013%); highest among the groups gnomAD compares: Non-Finnish European, 0.0017%; no homozygotes.

Submission:

Labcorp Genetics (formerly Invitae), Labcorp
Classification: Uncertain significance. Last evaluated: 2024-10-10. Review status: criteria provided, single submitter. Criteria: Invitae Variant Classification Sherloc (09022015). Collection method: clinical testing. Allele origin: germline.
Comment: This sequence change replaces valine, which is neutral and non-polar, with isoleucine, which is neutral and non-polar, at codon 2298 of the DCHS1 protein (p.Val2298Ile). This variant is present in population databases (rs780229915, gnomAD 0.0009%). This variant has not been reported in the literature in individuals affected with DCHS1-related conditions. Invitae Evidence Modeling of protein sequence and biophysical properties (such as structural, functional, and spatial information, amino acid conservation, physicochemical variation, residue mobility, and thermodynamic stability) indicates that this missense variant is not expected to disrupt DCHS1 protein function with a negative predictive value of 95%. In summary, the available evidence is currently insufficient to determine the role of this variant in disease. Therefore, it has been classified as a Variant of Uncertain Significance.

NM_003737.4(DCHS1):c.6892G>A (p.Val2298Ile)

Gene: DCHS1 (dachsous cadherin-related 1; minus strand). Cytogenetic location: 11p15.4.
Variant type: single nucleotide variant.
Coding change: c.6892G>A on transcript NM_003737.4 (MANE Select); coding-DNA position 6892, G replaced by A.
Protein change: p.Val2298Ile; replaces valine 2298 with isoleucine.
Molecular consequence: missense variant.
Genome position (GRCh38, 1-based): chr11:6,625,452, C>T on the plus strand (G>A on the coding strand, the complement: DCHS1 is on the minus strand). VCF-style: chr11-6625452-C-T. GRCh37 (hg19) VCF-style: chr11-6646683-C-T.
Other names: short protein forms V2298I.
Identifiers: ClinVar variation 2868199 (VCV002868199.3), dbSNP rs780229915, ClinGen allele CA5859734.